The following is an entry in ClinVar:

ClinVar aggregate classification (germline): Pathogenic (1 of 4 stars; one submission).

Submission:

Labcorp Genetics (formerly Invitae), Labcorp
Classification: Pathogenic. Last evaluated: 2025-09-20. Review status: criteria provided, single submitter. Criteria: Invitae Variant Classification Sherloc (09022015). Collection method: clinical testing. Allele origin: germline.
Comment: This sequence change creates a premature translational stop signal (p.Leu76Cysfs*3) in the LPIN1 gene. It is expected to result in an absent or disrupted protein product. Loss-of-function variants in LPIN1 are known to be pathogenic (PMID: 18817903, 20583302, 22481384, 26111941). This variant is not present in population databases (gnomAD no frequency). This variant has not been reported in the literature in individuals affected with LPIN1-related conditions. For these reasons, this variant has been classified as Pathogenic.

Literature cited by the submitters: PubMed 18817903; PubMed 20583302; PubMed 22481384; PubMed 26111941.

NM_001349206.2(LPIN1):c.227del (p.Leu76fs)

Gene: LPIN1 (lipin 1; plus strand). Cytogenetic location: 2p25.1.
Variant type: Deletion.
Coding change: c.227del on transcript NM_001349206.2 (MANE Select); coding-DNA position 227, one base deleted (T; older notation c.227delT).
Protein change: p.Leu76fs; shifts the reading frame from leucine 76.
Molecular consequence: frameshift variant. On other transcripts: non-coding transcript variant (1).
Genome position (GRCh38, 1-based): chr2:11,767,797, T deleted; the last of 3 consecutive T bases (chr2:11,767,795-11,767,797); deleting any one gives the same sequence. VCF-style (leftmost placement, unchanged base first): chr2-11767794-AT-A. GRCh37 (hg19) VCF-style: chr2-11907920-AT-A.
Other names: c.245del, p.Leu82fs (NM_001261427.3); c.374del, p.Leu125fs (NM_001261428.3, NM_001349208.2); c.227del, p.Leu76fs (NM_001349199.2, NM_001349200.2, NM_001349201.2 and 5 more transcripts); c.317del, p.Leu106fs (NM_001349207.2); short protein forms L82fs, L106fs, L76fs, L125fs.
Identifiers: ClinVar variation 4776642 (VCV004776642.1).
Genomic context (GRCh38, chr2:11,767,794, plus strand): 5'-TTCTTTTCTTAACCATGTTTTCCCTTCAGGTTGACATAGAAATCAATGGGGAATCTGTGG[AT>A]TTGCATATGAAATTGGGAGATAATGGAGAAGCATTTTTTGTTCAAGAAACAGATAATGAT-3'